The following is an entry in ClinVar:

NM_033004.4(NLRP1):c.2197C>A (p.Gln733Lys)

Gene: NLRP1 (NLR family pyrin domain containing 1; minus strand). Cytogenetic location: 17p13.2.
Variant type: single nucleotide variant.
Coding change: c.2197C>A on transcript NM_033004.4 (MANE Select); coding-DNA position 2197, C replaced by A.
Protein change: p.Gln733Lys; replaces glutamine 733 with lysine.
Molecular consequence: missense variant.
Genome position (GRCh38, 1-based): chr17:5,558,499, G>T on the plus strand (C>A on the coding strand, the complement: NLRP1 is on the minus strand). VCF-style: chr17-5558499-G-T. GRCh37 (hg19) VCF-style: chr17-5461819-G-T.
Other names: c.2197C>A, p.Gln733Lys (NM_001033053.3, NM_014922.5, NM_033006.4 and 1 more transcripts); short protein forms Q733K.
Identifiers: ClinVar variation 4763041 (VCV004763041.1).

ClinVar aggregate classification (germline): Uncertain significance (1 of 4 stars; one submission).

Submission:

Labcorp Genetics (formerly Invitae), Labcorp
Classification: Uncertain significance. Last evaluated: 2025-02-07. Review status: criteria provided, single submitter. Criteria: Invitae Variant Classification Sherloc (09022015). Collection method: clinical testing. Allele origin: germline.
Comment: This sequence change replaces glutamine, which is neutral and polar, with lysine, which is basic and polar, at codon 733 of the NLRP1 protein (p.Gln733Lys). This variant is not present in population databases (gnomAD no frequency). This variant has not been reported in the literature in individuals affected with NLRP1-related conditions. An algorithm developed to predict the effect of missense changes on protein structure and function outputs the following: PolyPhen-2: "Benign". The lysine amino acid residue is found in multiple mammalian species, which suggests that this missense change does not adversely affect protein function. In summary, the available evidence is currently insufficient to determine the role of this variant in disease. Therefore, it has been classified as a Variant of Uncertain Significance.